The following is an entry in ClinVar:

NM_004304.5(ALK):c.2073C>A (p.Ser691Arg)

Gene: ALK (ALK receptor tyrosine kinase; minus strand). Cytogenetic location: 2p23.2.
Variant type: single nucleotide variant.
Coding change: c.2073C>A on transcript NM_004304.5 (MANE Select); coding-DNA position 2073, C replaced by A.
Protein change: p.Ser691Arg; replaces serine 691 with arginine.
Molecular consequence: missense variant.
Genome position (GRCh38, 1-based): chr2:29,251,236, G>T on the plus strand (C>A on the coding strand, the complement: ALK is on the minus strand). VCF-style: chr2-29251236-G-T. GRCh37 (hg19) VCF-style: chr2-29474102-G-T.
Other names: c.2073C>A (NM_004304.4); short protein forms S691R.
Identifiers: ClinVar variation 1434553 (VCV001434553.9), dbSNP rs370435082, ClinGen allele CA346477153.

ClinVar aggregate classification (germline): Uncertain significance. Review status: criteria provided, multiple submitters, no conflicts (2 of 4 stars). 2 submissions from 2 submitters: Uncertain significance (2). Last evaluated 2026-04-27.

Conditions:
Neuroblastoma, susceptibility to, 3. Also called: ALK-Related Neuroblastic Tumor Susceptibility. Identifiers: Orphanet 635, MedGen C2751681, MONDO:0013083, OMIM 613014.
Hereditary cancer-predisposing syndrome. Also called: Tumor predisposition; Neoplastic Syndromes, Hereditary; Hereditary Cancer Syndrome; Hereditary neoplastic syndrome. Identifiers: Orphanet 140162, MedGen C0027672, MeSH D009386, MONDO:0015356.

gnomAD v4.1: 4 of 1,613,796 alleles (0.00025%); highest among the groups gnomAD compares: South Asian, 0.0022%; no homozygotes.

Submissions (2):

Ambry Genetics
Classification: Uncertain significance for Hereditary cancer-predisposing syndrome. Last evaluated: 2026-04-27. Review status: criteria provided, single submitter. Criteria: Ambry Variant Classification Scheme 2023. Collection method: clinical testing. Allele origin: germline.
Comment: The p.S691R variant (also known as c.2073C>A), located in coding exon 12 of the ALK gene, results from a C to A substitution at nucleotide position 2073. The serine at codon 691 is replaced by arginine, an amino acid with dissimilar properties. This amino acid position is well conserved in available vertebrate species. In addition, this alteration is predicted to be deleterious by in silico analysis. Based on the available evidence, the clinical significance of this variant remains unclear.

Labcorp Genetics (formerly Invitae), Labcorp
Classification: Uncertain significance for Neuroblastoma, susceptibility to, 3. Last evaluated: 2025-11-10. Review status: criteria provided, single submitter. Criteria: Invitae Variant Classification Sherloc (09022015). Collection method: clinical testing. Allele origin: germline.
Comment: This sequence change replaces serine, which is neutral and polar, with arginine, which is basic and polar, at codon 691 of the ALK protein (p.Ser691Arg). This variant is present in population databases (no rsID available, gnomAD 0.003%). This variant has not been reported in the literature in individuals affected with ALK-related conditions. ClinVar contains an entry for this variant (Variation ID: 1434553). An algorithm developed to predict the effect of missense changes on protein structure and function (PolyPhen-2) suggests that this variant is likely to be disruptive. In summary, the available evidence is currently insufficient to determine the role of this variant in disease. Therefore, it has been classified as a Variant of Uncertain Significance.